The following is an entry in ClinVar:

NM_000246.4(CIITA):c.-46G>A

Genes: CIITA (class II major histocompatibility complex transactivator; plus strand), LOC130058442 (ATAC-STARR-seq lymphoblastoid active region 10393; plus strand). Cytogenetic location: 16p13.13.
Variant type: single nucleotide variant.
Coding change: c.-46G>A on transcript NM_000246.4 (MANE Select); 46 bases upstream of the start codon, G replaced by A.
Molecular consequence: 5 prime UTR variant. On other transcripts: non-coding transcript variant (1).
Genome position (GRCh38, 1-based): chr16:10,877,285, G>A. VCF-style: chr16-10877285-G-A. GRCh37 (hg19) VCF-style: chr16-10971142-G-A.
Other names: c.-46G>A (NM_001286402.1, NM_001286403.2, NM_001379330.1 and 3 more transcripts).
Identifiers: ClinVar variation 317673 (VCV000317673.6), dbSNP rs115659359, ClinGen allele CA7899516.

ClinVar aggregate classification (germline): Benign. Review status: criteria provided, multiple submitters, no conflicts (2 of 4 stars). 2 submissions from 2 submitters: Benign (2). Last evaluated 2018-01-13.

Conditions:
MHC class II deficiency. Also called: Bare lymphocyte syndrome 2; BLS, TYPE II. Identifiers: Orphanet 572, MedGen C5447452, MONDO:0008855.

Allele frequency attached by ClinVar (database versions not stated): gnomAD exomes 0.00224 and 0.00095; gnomAD 0.00919 and 0.00978; ESP Exome Variant Server 0.01193; 1000 Genomes Project 0.00958; ExAC 0.00302; 1000 Genomes Project 30x 0.00999; TOPMed 0.01026.
gnomAD v4.1: 2,867 of 1,594,262 alleles (0.18%); highest among the groups gnomAD compares: African/African-American, 3.1%; 60 homozygotes.

Submissions (2):

Illumina Laboratory Services, Illumina
Classification: Benign for MHC class II deficiency 1. Last evaluated: 2018-01-13. Review status: criteria provided, single submitter. Criteria: ICSL Variant Classification Criteria 13 December 2019. Collection method: clinical testing. Allele origin: germline.
Comment: This variant was observed in the ICSL laboratory as part of a predisposition screen in an ostensibly healthy population. It had not been previously curated by ICSL or reported in the Human Gene Mutation Database (HGMD: prior to June 1st, 2018), and was therefore a candidate for classification through an automated scoring system. Utilizing variant allele frequency, disease prevalence and penetrance estimates, and inheritance mode, an automated score was calculated to assess if this variant is too frequent to cause the disease. Based on the score and internal cut-off values, a variant classified as benign is not then subjected to further curation. The score for this variant resulted in a classification of benign for this disease.

Breakthrough Genomics
Classification: Benign. Review status: criteria provided, single submitter. Criteria: ACMG Guidelines, 2015. Collection method: not provided. Allele origin: germline. Inheritance: Autosomal recessive inheritance. Affected: yes.